The following is an entry in ClinVar:

NM_004855.5(PIGB):c.1334A>G (p.Tyr445Cys)

Gene: PIGB (phosphatidylinositol glycan anchor biosynthesis class B; plus strand). Cytogenetic location: 15q21.3.
Variant type: single nucleotide variant.
Coding change: c.1334A>G on transcript NM_004855.5 (MANE Select); coding-DNA position 1334, A replaced by G.
Protein change: p.Tyr445Cys; replaces tyrosine 445 with cysteine.
Molecular consequence: missense variant.
Genome position (GRCh38, 1-based): chr15:55,350,909, A>G. VCF-style: chr15-55350909-A-G. GRCh37 (hg19) VCF-style: chr15-55643107-A-G.
Other names: short protein forms Y445C.
Identifiers: ClinVar variation 2580204 (VCV002580204.1), dbSNP rs2543145153, ClinGen allele CA392543857.

ClinVar aggregate classification (germline): Uncertain significance (1 of 4 stars; one submission).

Conditions:
Developmental and epileptic encephalopathy, 80. Also called: EPILEPTIC ENCEPHALOPATHY, EARLY INFANTILE, 80; GLYCOSYLPHOSPHATIDYLINOSITOL BIOSYNTHESIS DEFECT 20. Identifiers: MedGen C5231418, MONDO:0032822, OMIM 618580.

Submission:

Illumina Laboratory Services, Illumina
Classification: Uncertain significance for Developmental and epileptic encephalopathy, 80. Last evaluated: 2023-04-20. Review status: criteria provided, single submitter. Criteria: ICSLVariantClassificationCriteria RUGD 01 April 2020. Collection method: clinical testing. Allele origin: unknown.
Comment: The PIGB c.1334A>G (p.Tyr445Cys) missense variant has not, to our knowledge, been reported in the peer-reviewed literature. This variant is not observed in version 2.1.1 or version 3.1.2 of the Genome Aggregation Database. Based on the available evidence, the c.1334A>G (p.Tyr445Cys) variant is classified as a variant of uncertain significance for inherited glycosylphosphatidylinositol deficiency.